The following is an entry in ClinVar:

ClinVar aggregate classification (germline): Uncertain significance (1 of 4 stars; one submission).

Conditions:
Primary ciliary dyskinesia. Also called: Ciliary dyskinesia. Identifiers: Orphanet 244, MedGen C0008780, MONDO:0016575, HP:0012265.

Submission:

Labcorp Genetics (formerly Invitae), Labcorp
Classification: Uncertain significance for Primary ciliary dyskinesia. Last evaluated: 2022-08-09. Review status: criteria provided, single submitter. Criteria: Invitae Variant Classification Sherloc (09022015). Collection method: clinical testing. Allele origin: germline.
Comment: In summary, the available evidence is currently insufficient to determine the role of this variant in disease. Therefore, it has been classified as a Variant of Uncertain Significance. Algorithms developed to predict the effect of missense changes on protein structure and function output the following: SIFT: "Not Available"; PolyPhen-2: "Not Available"; Align-GVGD: "Not Available". The glycine amino acid residue is found in multiple mammalian species, which suggests that this missense change does not adversely affect protein function. This variant has not been reported in the literature in individuals affected with RPGR (ORF15)-related conditions. This variant is not present in population databases (gnomAD no frequency). This sequence change replaces glutamic acid, which is acidic and polar, with glycine, which is neutral and non-polar, at codon 800 of the RPGR (ORF15) protein (p.Glu800Gly).

NM_001034853.2(RPGR):c.2399A>G (p.Glu800Gly)

Gene: RPGR (retinitis pigmentosa GTPase regulator; minus strand). Cytogenetic location: Xp11.4.
Variant type: single nucleotide variant.
Coding change: c.2399A>G on transcript NM_001034853.2 (MANE Select); coding-DNA position 2399, A replaced by G.
Protein change: p.Glu800Gly; replaces glutamic acid 800 with glycine.
Molecular consequence: missense variant. On other transcripts: intron variant (8).
Genome position (GRCh38, 1-based): chrX:38,286,600, T>C on the plus strand (A>G on the coding strand, the complement: RPGR is on the minus strand). VCF-style: chrX-38286600-T-C. GRCh37 (hg19) VCF-style: chrX-38145853-T-C.
Other names: c.1569+4359A>G (NM_001367249.1, NM_001367250.1); c.1902+494A>G (NM_001367245.1); c.1386+4359A>G (NM_001367251.1); c.1719+494A>G (NM_001367246.1); c.1572+4359A>G (NM_001367247.1); c.1905+494A>G (NM_000328.3); c.1602+4359A>G (NM_001367248.1); short protein forms E800G.
Identifiers: ClinVar variation 2023264 (VCV002023264.4), dbSNP rs2519791382, ClinGen allele CA412730729.